The following is an entry in ClinVar:

NM_201384.3(PLEC):c.8428A>T (p.Ile2810Phe)

Gene: PLEC (plectin; minus strand). Cytogenetic location: 8q24.3.
Variant type: single nucleotide variant.
Coding change: c.8428A>T on transcript NM_201384.3 (MANE Select); coding-DNA position 8428, A replaced by T.
Protein change: p.Ile2810Phe; replaces isoleucine 2810 with phenylalanine.
Molecular consequence: missense variant.
Genome position (GRCh38, 1-based): chr8:143,921,393, T>A on the plus strand (A>T on the coding strand, the complement: PLEC is on the minus strand). VCF-style: chr8-143921393-T-A. GRCh37 (hg19) VCF-style: chr8-144995561-T-A.
Other names: c.8509A>T, p.Ile2837Phe (NM_000445.5); c.8386A>T, p.Ile2796Phe (NM_201378.4); c.8362A>T, p.Ile2788Phe (NM_201379.3); c.8839A>T, p.Ile2947Phe (NM_201380.4); c.8332A>T, p.Ile2778Phe (NM_201381.3); c.8428A>T, p.Ile2810Phe (NM_201382.4); c.8440A>T, p.Ile2814Phe (NM_201383.3); short protein forms I2778F, I2788F, I2810F, I2947F, I2814F, I2837F, I2796F.
Identifiers: ClinVar variation 947537 (VCV000947537.7), dbSNP rs908478191, ClinGen allele CA372516058.

ClinVar aggregate classification (germline): Uncertain significance (1 of 4 stars; one submission).

Conditions:
Epidermolysis bullosa simplex 5B, with muscular dystrophy (EBS5B). Also called: EPIDERMOLYSIS BULLOSA SIMPLEX AND LIMB-GIRDLE MUSCULAR DYSTROPHY; Epidermolysis bullosa simplex with muscular dystrophy. Identifiers: Orphanet 257, MedGen C2931072, MONDO:0009181, OMIM 226670.
Epidermolysis bullosa simplex with nail dystrophy (EBS5D). Identifiers: MedGen C4225309, MONDO:0014661, OMIM 616487.
Epidermolysis bullosa simplex, Ogna type (EBS5A). Also called: EPIDERMOLYSIS BULLOSA SIMPLEX 5A, OGNA TYPE; Pidermolysis bullosa simplex 5A, Ogna type. Identifiers: Orphanet 79401, MedGen C0432317, MONDO:0007555, OMIM 131950.
Autosomal recessive limb-girdle muscular dystrophy type 2Q (LGMDR17). Also called: MUSCULAR DYSTROPHY, LIMB-GIRDLE, AUTOSOMAL RECESSIVE 17. Identifiers: Orphanet 254361, MedGen C3150989, MONDO:0013390, OMIM 613723.
Epidermolysis bullosa simplex 5C, with pyloric atresia (EBS5C). Also called: Epidermolysis bullosa simplex with pyloric atresia; PLEC-Related Epidermolysis Bullosa with Pyloric Atresia; PLEC1-Related Epidermolysis Bullosa with Pyloric Atresia. Identifiers: Orphanet 158684, MedGen C2677349, MONDO:0012807, OMIM 612138.

Submission:

Labcorp Genetics (formerly Invitae), Labcorp
Classification: Uncertain significance for Autosomal recessive limb-girdle muscular dystrophy type 2Q; Epidermolysis bullosa simplex, Ogna type; Epidermolysis bullosa simplex with nail dystrophy; Epidermolysis bullosa simplex 5C, with pyloric atresia; Epidermolysis bullosa simplex 5B, with muscular dystrophy. Last evaluated: 2019-05-22. Review status: criteria provided, single submitter. Criteria: Invitae Variant Classification Sherloc (09022015). Collection method: clinical testing. Allele origin: germline.
Comment: This sequence change replaces isoleucine with phenylalanine at codon 2837 of the PLEC protein (p.Ile2837Phe). The isoleucine residue is moderately conserved and there is a small physicochemical difference between isoleucine and phenylalanine. This variant is not present in population databases (ExAC no frequency). This variant has not been reported in the literature in individuals with PLEC-related conditions. Algorithms developed to predict the effect of missense changes on protein structure and function are either unavailable or do not agree on the potential impact of this missense change (SIFT: "Tolerated"; PolyPhen-2: "Possibly Damaging"; Align-GVGD: "Class C0"). In summary, the available evidence is currently insufficient to determine the role of this variant in disease. Therefore, it has been classified as a Variant of Uncertain Significance.